The following is an entry in ClinVar:

ClinVar aggregate classification (germline): Uncertain significance. Review status: criteria provided, multiple submitters, no conflicts (2 of 4 stars). 2 submissions from 2 submitters: Uncertain significance (2). Last evaluated 2026-08-14.

Conditions:
Cardiovascular phenotype. Identifiers: MedGen CN230736.

Submissions (2):

Ambry Genetics
Classification: Uncertain significance for Cardiovascular phenotype. Last evaluated: 2026-08-14. Review status: criteria provided, single submitter. Criteria: Ambry Variant Classification Scheme 2023. Collection method: clinical testing. Allele origin: germline.
Comment: The p.D89N variant (also known as c.265G>A) is located in coding exon 8 of the TNNT2 gene. The aspartic acid at codon 89 is replaced by asparagine, an amino acid with highly similar properties. This change occurs in the first base pair of coding exon 8. This amino acid position is highly conserved in available vertebrate species. In addition, the in silico prediction for this alteration is inconclusive. Based on the available evidence, the clinical significance of this variant remains unclear.

Revvity Omics, Revvity
Classification: Uncertain significance. Last evaluated: 2022-06-16. Review status: criteria provided, single submitter. Criteria: ACMG Guidelines, 2015. Collection method: clinical testing. Allele origin: germline.

NM_001276345.2(TNNT2):c.295G>A (p.Asp99Asn)

Gene: TNNT2 (troponin T2, cardiac type; minus strand). Cytogenetic location: 1q32.1.
Variant type: single nucleotide variant.
Coding change: c.295G>A on transcript NM_001276345.2 (MANE Select); coding-DNA position 295, G replaced by A.
Protein change: p.Asp99Asn; replaces aspartic acid 99 with asparagine.
Molecular consequence: missense variant. On other transcripts: intron variant (1).
Genome position (GRCh38, 1-based): chr1:201,365,307, C>T on the plus strand (G>A on the coding strand, the complement: TNNT2 is on the minus strand). VCF-style: chr1-201365307-C-T. GRCh37 (hg19) VCF-style: chr1-201334435-C-T.
Other names: c.265G>A (NM_001001430.1); c.295G>A, p.Asp99Asn (NM_000364.4, NM_001406723.1); c.265G>A, p.Asp89Asn (NM_001001430.3, NM_001001431.3, NM_001276347.2 and 3 more transcripts); c.250G>A, p.Asp84Asn (NM_001001432.3, NM_001406728.1); c.262G>A, p.Asp88Asn (NM_001406725.1); c.291+303G>A (NM_001276346.2); short protein forms D84N, D88N, D89N, D99N.
Identifiers: ClinVar variation 2437140 (VCV002437140.4), dbSNP rs2527017662, ClinGen allele CA090282.